The following is an entry in ClinVar:

NM_000441.2(SLC26A4):c.665G>T (p.Gly222Val)

Gene: SLC26A4 (solute carrier family 26 member 4; plus strand). Cytogenetic location: 7q22.3.
Variant type: single nucleotide variant.
Coding change: c.665G>T on transcript NM_000441.2 (MANE Select); coding-DNA position 665, G replaced by T.
Protein change: p.Gly222Val; replaces glycine 222 with valine.
Molecular consequence: missense variant.
Genome position (GRCh38, 1-based): chr7:107,675,009, G>T. VCF-style: chr7-107675009-G-T. GRCh37 (hg19) VCF-style: chr7-107315454-G-T.
Other names: short protein forms G222V.
Identifiers: ClinVar variation 4532316 (VCV004532316.3).

ClinVar aggregate classification (germline): Likely pathogenic. Review status: criteria provided, multiple submitters, no conflicts (2 of 4 stars). 2 submissions from 2 submitters: Likely pathogenic (2). Last evaluated 2026-09-17.

Conditions:
Pendred syndrome (PDS). Also called: DEAFNESS WITH GOITER; GOITER-DEAFNESS SYNDROME; HYPOTHYROIDISM, CONGENITAL, DUE TO DYSHORMONOGENESIS, 2B; THYROID DYSHORMONOGENESIS 2B; THYROID HORMONOGENESIS, GENETIC DEFECT IN, 2B; Pendred's syndrome. Identifiers: Orphanet 705, MedGen C0271829, MONDO:0010134, OMIM 274600.

gnomAD v4.1: 7 of 1,614,012 alleles (0.00043%); highest among the groups gnomAD compares: Non-Finnish European, 0.00059%; no homozygotes.

Submissions (2):

GeneDx
Classification: Likely pathogenic. Last evaluated: 2026-09-17. Review status: criteria provided, single submitter. Criteria: GeneDx Variant Classification Process June 2021. Collection method: clinical testing. Allele origin: germline.
Comment: Published functional studies demonstrate a damaging effect with a 65% reduction in anion transportation activity compared to wild type (PMID: 19954013); Not observed at significant frequency in large population cohorts (gnomAD); In silico analysis supports that this missense variant has a deleterious effect on protein structure/function; This variant is associated with the following publications: (PMID: 24245694, 23151025, 23185506, 27771369, 40744881, 39740534, 40553156, 19954013)

Myriad Genetics, Inc.
Classification: Likely pathogenic for Pendred syndrome. Last evaluated: 2026-03-23. Review status: criteria provided, single submitter. Criteria: Myriad Autosomal Dominant, Autosomal Recessive and X-Linked Classification Criteria (2023). Collection method: clinical testing. Allele origin: unknown.
Comment: NM_000441.1(SLC26A4):c.665G>T(G222V) is a missense variant classified as likely pathogenic in the context of Pendred syndrome. G222V has been observed in cases with relevant disease (PMID: 25372295, 39740534). Relevant functional assessments of this variant are available in the literature (PMID: 23185506). G222V has been observed in referenced population frequency databases. In summary, NM_000441.1(SLC26A4):c.665G>T(G222V) is a missense variant that has functional support for pathogenicity and has been observed more frequently in cases with the relevant disease than in healthy populations. Please note: this variant was assessed in the context of healthy population screening.

Literature cited by the submitters: PubMed 23185506 (cited by Myriad Genetics, Inc.); PubMed 25372295 (cited by Myriad Genetics, Inc.); PubMed 39740534 (cited by Myriad Genetics, Inc.).